The following is an entry in ClinVar:

ClinVar aggregate classification (germline): Uncertain significance (1 of 4 stars; one submission).

Conditions:
Multiple gastrointestinal atresias. Also called: FAMILIAL INTESTINAL POLYATRESIA SYNDROME; Multiple intestinal atresia. Identifiers: Orphanet 2300, MedGen C0220744, MONDO:0009465.

Allele frequency attached by ClinVar (database versions not stated): gnomAD 0.00002; TOPMed 0.00005.
gnomAD v4.1: 7 of 1,613,898 alleles (0.00043%); highest among the groups gnomAD compares: African/African-American, 0.0093%; no homozygotes.

Submission:

Labcorp Genetics (formerly Invitae), Labcorp
Classification: Uncertain significance for Multiple gastrointestinal atresias. Last evaluated: 2022-08-19. Review status: criteria provided, single submitter. Criteria: Invitae Variant Classification Sherloc (09022015). Collection method: clinical testing. Allele origin: germline.
Comment: This sequence change replaces proline, which is neutral and non-polar, with leucine, which is neutral and non-polar, at codon 327 of the TTC7A protein (p.Pro327Leu). This variant is present in population databases (no rsID available, gnomAD 0.02%). This variant has not been reported in the literature in individuals affected with TTC7A-related conditions. Algorithms developed to predict the effect of missense changes on protein structure and function (SIFT, PolyPhen-2, Align-GVGD) all suggest that this variant is likely to be tolerated. In summary, the available evidence is currently insufficient to determine the role of this variant in disease. Therefore, it has been classified as a Variant of Uncertain Significance.

NM_020458.4(TTC7A):c.980C>T (p.Pro327Leu)

Gene: TTC7A (tetratricopeptide repeat domain 7A; plus strand). Cytogenetic location: 2p21.
Variant type: single nucleotide variant.
Coding change: c.980C>T on transcript NM_020458.4 (MANE Select); coding-DNA position 980, C replaced by T.
Protein change: p.Pro327Leu; replaces proline 327 with leucine.
Molecular consequence: missense variant. On other transcripts: intron variant (1).
Genome position (GRCh38, 1-based): chr2:46,994,493, C>T. VCF-style: chr2-46994493-C-T. GRCh37 (hg19) VCF-style: chr2-47221632-C-T.
Other names: c.980C>T, p.Pro327Leu (NM_001288951.2); c.878C>T, p.Pro293Leu (NM_001288953.2); c.-61-643C>T (NM_001288955.2); short protein forms P293L, P327L.
Identifiers: ClinVar variation 2142293 (VCV002142293.1), dbSNP rs920539096, ClinGen allele CA46619136.